The following is an entry in ClinVar:

NM_013436.5(NCKAP1):c.1109T>C (p.Phe370Ser)

Gene: NCKAP1 (NCK associated protein 1; minus strand). Cytogenetic location: 2q32.1.
Variant type: single nucleotide variant.
Coding change: c.1109T>C on transcript NM_013436.5 (MANE Select); coding-DNA position 1109, T replaced by C.
Protein change: p.Phe370Ser; replaces phenylalanine 370 with serine.
Molecular consequence: missense variant.
Genome position (GRCh38, 1-based): chr2:182,982,920, A>G on the plus strand (T>C on the coding strand, the complement: NCKAP1 is on the minus strand). VCF-style: chr2-182982920-A-G. GRCh37 (hg19) VCF-style: chr2-183847648-A-G.
Other names: c.1127T>C, p.Phe376Ser (NM_205842.3); short protein forms F370S, F376S.
Identifiers: ClinVar variation 3898829 (VCV003898829.1).

ClinVar aggregate classification (germline): Uncertain significance (1 of 4 stars; one submission).

Submission:

GeneDx
Classification: Uncertain significance. Last evaluated: 2024-11-11. Review status: criteria provided, single submitter. Criteria: GeneDx Variant Classification Process June 2021. Collection method: clinical testing. Allele origin: germline. Affected: yes.
Comment: Not observed at significant frequency in large population cohorts (gnomAD); In silico analysis supports that this missense variant has a deleterious effect on protein structure/function; Has not been previously published as pathogenic or benign to our knowledge